The following is an entry in ClinVar:

NM_138576.4(BCL11B):c.915C>T (p.Phe305=)

Gene: BCL11B (BCL11 transcription factor B; minus strand). Cytogenetic location: 14q32.2.
Variant type: single nucleotide variant.
Coding change: c.915C>T on transcript NM_138576.4 (MANE Select); coding-DNA position 915, C replaced by T.
Protein change: p.Phe305=; no amino-acid change (phenylalanine 305 retained).
Molecular consequence: synonymous variant.
Genome position (GRCh38, 1-based): chr14:99,175,921, G>A on the plus strand (C>T on the coding strand, the complement: BCL11B is on the minus strand). VCF-style: chr14-99175921-G-A. GRCh37 (hg19) VCF-style: chr14-99642258-G-A.
Other names: c.912C>T, p.Phe304= (NM_001282237.2); c.699C>T, p.Phe233= (NM_001282238.2); c.702C>T, p.Phe234= (NM_022898.3).
Identifiers: ClinVar variation 2417315 (VCV002417315.19), dbSNP rs759350555, ClinGen allele CA7339770.

ClinVar aggregate classification (germline): Likely benign. Review status: criteria provided, multiple submitters, no conflicts (2 of 4 stars). 3 submissions from 3 submitters: Likely benign (3). Last evaluated 2024-12-01.

Allele frequency attached by ClinVar (database versions not stated): gnomAD 0.00001; gnomAD exomes 0.00001; TOPMed 0.00003.
gnomAD v4.1: 18 of 1,445,702 alleles (0.0012%); highest among the groups gnomAD compares: Non-Finnish European, 0.0015%; no homozygotes.

Submissions (3):

CeGaT Center for Human Genetics Tuebingen
Classification: Likely benign. Last evaluated: 2024-12-01. Review status: criteria provided, single submitter. Criteria: CeGaT Center For Human Genetics Tuebingen Variant Classification Criteria Version 2. Collection method: clinical testing. Allele origin: germline. Affected: yes. Observed: 1 variant allele.
Comment: BCL11B: BP4, BP7

Labcorp Genetics (formerly Invitae), Labcorp
Classification: Likely benign. Last evaluated: 2024-05-06. Review status: criteria provided, single submitter. Criteria: Invitae Variant Classification Sherloc (09022015). Collection method: clinical testing. Allele origin: germline.

Blueprint Genetics
Classification: Likely benign. Last evaluated: 2023-12-15. Review status: criteria provided, single submitter. Criteria: ACMG Guidelines, 2015. Collection method: clinical testing. Allele origin: germline.